The following is an entry in ClinVar:

ClinVar aggregate classification (germline): Uncertain significance. Review status: criteria provided, multiple submitters, no conflicts (2 of 4 stars). 2 submissions from 2 submitters: Uncertain significance (2). Last evaluated 2025-11-25.

Conditions:
Silver-Russell syndrome 3 (SRS3). Also called: Growth restriction, severe, with distinctive facies. Identifiers: MedGen C4225307, MONDO:0014663, OMIM 616489.

Submissions (2):

Labcorp Genetics (formerly Invitae), Labcorp
Classification: Uncertain significance. Last evaluated: 2025-11-25. Review status: criteria provided, single submitter. Criteria: Invitae Variant Classification Sherloc (09022015). Collection method: clinical testing. Allele origin: germline.
Comment: This sequence change affects the initiator codon of the IGF2 mRNA. This change may impact translation initiation or efficiency. The next in-frame methionine is located at codon 5. This variant is not present in population databases (gnomAD no frequency). This variant has not been reported in the literature in individuals affected with IGF2-related conditions. ClinVar contains an entry for this variant (Variation ID: 3376575). Experimental studies and prediction algorithms are not available or were not evaluated, and the functional significance of this variant is currently unknown. In summary, the available evidence is currently insufficient to determine the role of this variant in disease. Therefore, it has been classified as a Variant of Uncertain Significance.

Victorian Clinical Genetics Services, Murdoch Childrens Research Institute
Classification: Uncertain significance for Silver-Russell syndrome 3. Last evaluated: 2022-02-02. Review status: criteria provided, single submitter. Criteria: ACMG Guidelines, 2015. Collection method: clinical testing. Allele origin: germline. Inheritance: Autosomal dominant inheritance. Affected: yes.
Comment: Based on the classification scheme VCGS_Germline_v1.3.4, this variant is classified as VUS-3A. Following criteria are met: 0102 - Loss of function is a known mechanism of disease in this gene and is associated with Silver-Russell syndrome 3 (MIM#616489). (I) 0107 - This gene is associated with autosomal dominant disease. (I) 0113 - This gene is known to be imprinted. This gene is known to be maternally imprinted, such that only the paternal allele is expressed (OMIM). (I) 0206 - Variant is predicted to result in a loss of the canonical translation initiation codon (ATG). (SP) 0251 - This variant is heterozygous. (I) 0301 - Variant is absent from gnomAD (both v2 and v3). (SP) 0311 - An alternative nucleotide change at the same initiation codon, is present in gnomAD (v3) (13 heterozygotes, 0 homozygotes). (I) 0710 - Another start-loss variant comparable to the one identified in this case has inconclusive previous evidence for pathogenicity. This variant (c.2T>C, p.(Met1?)) has been reported as a VUS (ClinVar). (I) 0807 - This variant has no previous evidence of pathogenicity. (I) 0905 - No published segregation evidence has been identified for this variant. (I) 1007 - No published functional evidence has been identified for this variant. (I) 1208 - Inheritance information for this variant is not currently available in this individual. (I) Legend: (SP) - Supporting pathogenic, (I) - Information, (SB) - Supporting benign

NM_000612.6(IGF2):c.1A>G (p.Met1Val)

Genes: IGF2 (insulin like growth factor 2; minus strand), INS-IGF2 (INS-IGF2 readthrough; minus strand). Cytogenetic location: 11p15.5.
Variant type: single nucleotide variant.
Coding change: c.1A>G on transcript NM_000612.6 (MANE Select); coding-DNA position 1, A replaced by G.
Protein change: p.Met1Val; changes the start codon (methionine 1).
Molecular consequence: missense variant, initiator codon variant. On other transcripts: non-coding transcript variant (1).
Genome position (GRCh38, 1-based): chr11:2,135,523, T>C on the plus strand (A>G on the coding strand, the complement: IGF2 is on the minus strand). VCF-style: chr11-2135523-T-C. GRCh37 (hg19) VCF-style: chr11-2156753-T-C.
Other names: c.1A>G, p.Met1Val (NM_001007139.6, NM_001291861.3, NM_001291862.3); c.169A>G, p.Met57Val (NM_001127598.3); short protein forms M1V, M57V.
Identifiers: ClinVar variation 3376575 (VCV003376575.2).